The following is an entry in ClinVar:

ClinVar aggregate classification (germline): Uncertain significance (1 of 4 stars; one submission).

Submission:

Labcorp Genetics (formerly Invitae), Labcorp
Classification: Uncertain significance. Last evaluated: 2023-08-03. Review status: criteria provided, single submitter. Criteria: Invitae Variant Classification Sherloc (09022015). Collection method: clinical testing. Allele origin: germline.
Comment: In summary, the available evidence is currently insufficient to determine the role of this variant in disease. Therefore, it has been classified as a Variant of Uncertain Significance. Advanced modeling of protein sequence and biophysical properties (such as structural, functional, and spatial information, amino acid conservation, physicochemical variation, residue mobility, and thermodynamic stability) performed at Invitae indicates that this missense variant is not expected to disrupt TECTA protein function. This variant has not been reported in the literature in individuals affected with TECTA-related conditions. This variant is present in population databases (no rsID available, gnomAD 0.0009%). This sequence change replaces threonine, which is neutral and polar, with isoleucine, which is neutral and non-polar, at codon 1237 of the TECTA protein (p.Thr1237Ile).

NM_005422.4(TECTA):c.3710C>T (p.Thr1237Ile)

Genes: TBCEL-TECTA (TBCEL-TECTA readthrough; plus strand), TECTA (tectorin alpha; plus strand). Cytogenetic location: 11q23.3.
Variant type: single nucleotide variant.
Coding change: c.3710C>T on transcript NM_005422.4 (MANE Select); coding-DNA position 3710, C replaced by T.
Protein change: p.Thr1237Ile; replaces threonine 1237 with isoleucine.
Molecular consequence: missense variant.
Genome position (GRCh38, 1-based): chr11:121,145,721, C>T. VCF-style: chr11-121145721-C-T. GRCh37 (hg19) VCF-style: chr11-121016430-C-T.
Other names: c.4667C>T, p.Thr1556Ile (NM_001378761.1); short protein forms T1556I, T1237I.
Identifiers: ClinVar variation 2749762 (VCV002749762.3), dbSNP rs1415362963, ClinGen allele CA383021930.